The following is an entry in ClinVar:

ClinVar aggregate classification (germline): Uncertain significance. Review status: criteria provided, single submitter (1 of 4 stars). 2 submissions from 2 submitters: Uncertain significance (1). 1 of the submissions does not count toward it. Last evaluated 2025-08-17.

Conditions:
Agammaglobulinemia 7, autosomal recessive (AGM7). Also called: AGAMMAGLOBULINEMIA, AUTOSOMAL RECESSIVE, DUE TO PIK3R1 DEFECT. Identifiers: MedGen C3554689, MONDO:0014083, OMIM 615214.
Immunodeficiency 36 with lymphoproliferation. Also called: ACTIVATED PI3K-DELTA SYNDROME 2; Activated PI3K Delta Syndrome Type 2 (APDS2); Immunodeficiency 36. Identifiers: Orphanet 397596, Orphanet 693681, MedGen C4014934, MONDO:0014453, OMIM 616005.
SHORT syndrome. Also called: SHORT STATURE, HYPEREXTENSIBILITY, HERNIA, OCULAR DEPRESSION, RIEGER ANOMALY, AND TEETHING DELAY; PIK3R1-Related SHORT Syndrome; LIPODYSTROPHY, PARTIAL, WITH RIEGER ANOMALY AND SHORT STATURE. Identifiers: Orphanet 3163, MedGen C0878684, MONDO:0010026, OMIM 269880.
Activated PI3K-delta syndrome. Identifiers: Orphanet 397596, MedGen C3714976, MONDO:0018338.

Allele frequency attached by ClinVar (database versions not stated): gnomAD exomes below 0.00001; TOPMed below 0.00001; gnomAD 0.00001; ExAC 0.00002.
gnomAD v4.1: 7 of 1,613,506 alleles (0.00043%); highest among the groups gnomAD compares: Non-Finnish European, 0.00059%; no homozygotes.

Submissions (2):

Labcorp Genetics (formerly Invitae), Labcorp
Classification: Uncertain significance for SHORT syndrome; Immunodeficiency 36 with lymphoproliferation; Agammaglobulinemia 7, autosomal recessive. Last evaluated: 2025-08-17. Review status: criteria provided, single submitter. Criteria: Invitae Variant Classification Sherloc (09022015). Collection method: clinical testing. Allele origin: germline.
Comment: This sequence change replaces valine, which is neutral and non-polar, with isoleucine, which is neutral and non-polar, at codon 317 of the PIK3R1 protein (p.Val317Ile). This variant is present in population databases (rs766076215, gnomAD 0.002%). This variant has not been reported in the literature in individuals affected with PIK3R1-related conditions. ClinVar contains an entry for this variant (Variation ID: 2921958). Invitae Evidence Modeling of protein sequence and biophysical properties (such as structural, functional, and spatial information, amino acid conservation, physicochemical variation, residue mobility, and thermodynamic stability) indicates that this missense variant is not expected to disrupt PIK3R1 protein function with a negative predictive value of 80%. In summary, the available evidence is currently insufficient to determine the role of this variant in disease. Therefore, it has been classified as a Variant of Uncertain Significance.

Rarefied Biosciences Lab
Classification: Likely benign for Activated PI3K-delta syndrome. Review status: no assertion criteria provided. Collection method: research. Allele origin: germline, not applicable. Affected: yes. Not counted in ClinVar's aggregate classification.
Comment: The following variant p.Val317Ile is likely benign due to experimental evidence showing no abnormal function of TFH, mTOR, and transitional B cells which are hallmarks of affected patients(PMID31031754)

Literature cited by the submitters: PubMed 31031754 (cited by Rarefied Biosciences Lab).

NM_181523.3(PIK3R1):c.949G>A (p.Val317Ile)

Gene: PIK3R1 (phosphoinositide-3-kinase regulatory subunit 1; plus strand). Cytogenetic location: 5q13.1.
Variant type: single nucleotide variant.
Coding change: c.949G>A on transcript NM_181523.3 (MANE Select); coding-DNA position 949, G replaced by A.
Protein change: p.Val317Ile; replaces valine 317 with isoleucine.
Molecular consequence: missense variant.
Genome position (GRCh38, 1-based): chr5:68,292,291, G>A. VCF-style: chr5-68292291-G-A. GRCh37 (hg19) VCF-style: chr5-67588119-G-A.
Other names: c.139G>A, p.Val47Ile (NM_181504.4); c.49G>A, p.Val17Ile (NM_181524.2); short protein forms V17I, V317I, V47I.
Identifiers: ClinVar variation 2921958 (VCV002921958.4), dbSNP rs766076215, ClinGen allele CA3290257.